The following is an entry in ClinVar:

NM_018946.4(NANS):c.122G>T (p.Arg41Leu)

Genes: NANS (N-acetylneuraminate synthase; plus strand), TRIM14 (tripartite motif containing 14; minus strand), LOC130002204 (ATAC-STARR-seq lymphoblastoid silent region 20113; plus strand). Cytogenetic location: 9q22.33.
Variant type: single nucleotide variant.
Coding change: c.122G>T on transcript NM_018946.4 (MANE Select); coding-DNA position 122, G replaced by T.
Protein change: p.Arg41Leu; replaces arginine 41 with leucine.
Molecular consequence: missense variant.
Genome position (GRCh38, 1-based): chr9:98,056,930, G>T. VCF-style: chr9-98056930-G-T. GRCh37 (hg19) VCF-style: chr9-100819212-G-T.
Other names: short protein forms R41L.
Identifiers: ClinVar variation 2197046 (VCV002197046.1), dbSNP rs773169954, ClinGen allele CA5150170.

ClinVar aggregate classification (germline): Uncertain significance (1 of 4 stars; one submission).

Allele frequency attached by ClinVar (database versions not stated): gnomAD 0.00001; TOPMed 0.00002.
gnomAD v4.1: 129 of 1,598,530 alleles (0.0081%); highest among the groups gnomAD compares: Non-Finnish European, 0.011%; no homozygotes.

Submission:

Labcorp Genetics (formerly Invitae), Labcorp
Classification: Uncertain significance. Last evaluated: 2022-03-07. Review status: criteria provided, single submitter. Criteria: Invitae Variant Classification Sherloc (09022015). Collection method: clinical testing. Allele origin: germline.
Comment: This sequence change replaces arginine, which is basic and polar, with leucine, which is neutral and non-polar, at codon 41 of the NANS protein (p.Arg41Leu). The frequency data for this variant in the population databases is considered unreliable, as metrics indicate poor data quality at this position in the gnomAD database. This variant has not been reported in the literature in individuals affected with NANS-related conditions. Algorithms developed to predict the effect of missense changes on protein structure and function (SIFT, PolyPhen-2, Align-GVGD) all suggest that this variant is likely to be tolerated. In summary, the available evidence is currently insufficient to determine the role of this variant in disease. Therefore, it has been classified as a Variant of Uncertain Significance.